The following is an entry in ClinVar:

NM_001348323.3(TRIP12):c.4995del (p.Lys1665fs)

Gene: TRIP12 (thyroid hormone receptor interactor 12; minus strand). Cytogenetic location: 2q36.3.
Variant type: Deletion.
Coding change: c.4995del on transcript NM_001348323.3 (MANE Select); coding-DNA position 4995, one base deleted (A; older notation c.4995delA).
Protein change: p.Lys1665fs; shifts the reading frame from lysine 1665.
Molecular consequence: frameshift variant.
Genome position (GRCh38, 1-based): chr2:229,787,505, T deleted on the plus strand (A on the coding strand, the reverse complement: TRIP12 is on the minus strand); the first of 7 consecutive T bases (chr2:229,787,505-229,787,511); deleting any one gives the same sequence. VCF-style (leftmost placement, unchanged base first): chr2-229787504-CT-C. GRCh37 (hg19) VCF-style: chr2-230652220-CT-C.
Other names: c.4914del, p.Lys1638fs (NM_001284214.2, NM_001348315.2); c.4869del, p.Lys1623fs (NM_001284215.2, NM_001348316.2); c.3960del, p.Lys1320fs (NM_001284216.2); c.4854del, p.Lys1618fs (NM_001348317.1, NM_001348318.2); c.4980del, p.Lys1660fs (NM_001348319.1, NM_001348320.2); c.4983del, p.Lys1661fs (NM_001348321.1); c.4995del, p.Lys1665fs (NM_001348322.1, NM_001348324.2, NM_001348325.2 and 2 more transcripts); c.4998del, p.Lys1666fs (NM_001348328.1, NM_001348329.2, NM_001348330.2); and 4 more; short protein forms K1320fs, K1590fs, K1591fs, K1618fs, K1623fs, K1631fs, K1638fs, K1639fs.
Identifiers: ClinVar variation 1194542 (VCV001194542.2), dbSNP rs2154255332, ClinGen allele CA2499215763.

ClinVar aggregate classification (germline): Pathogenic (1 of 4 stars; one submission).

Submission:

GeneDx
Classification: Pathogenic. Last evaluated: 2020-11-24. Review status: criteria provided, single submitter. Criteria: GeneDx Variant Classification Process June 2021. Collection method: clinical testing. Allele origin: germline. Affected: yes.
Comment: Frameshift variant predicted to result in protein truncation or nonsense mediated decay in a gene for which loss-of-function is a known mechanism of disease; Not observed in large population cohorts (Lek et al., 2016); Has not been previously published as pathogenic or benign to our knowledge